The following is an entry in ClinVar:

ClinVar aggregate classification (germline): Uncertain significance (1 of 4 stars; one submission).

Conditions:
Arrhythmogenic cardiomyopathy with wooly hair and keratoderma. Also called: Carvajal syndrome; PALMOPLANTAR KERATODERMA WITH LEFT VENTRICULAR CARDIOMYOPATHY AND WOOLLY HAIR; Dilated cardiomyopathy with woolly hair and keratoderma; Arrhythmogenic cardiomyopathy with woolly hair and keratoderma. Identifiers: Orphanet 65282, MedGen C1854063, MONDO:0011581, OMIM 605676.

Submission:

All of Us Research Program, National Institutes of Health
Classification: Uncertain significance for Arrhythmogenic cardiomyopathy with wooly hair and keratoderma. Last evaluated: 2024-09-23. Review status: criteria provided, single submitter. Criteria: ACMG Guidelines, 2015. Collection method: clinical testing. Allele origin: germline. Inheritance: Autosomal dominant inheritance. Observed: 1 variant allele, 1 heterozygote.
Comment: This missense variant replaces arginine with tryptophan at codon 1603 of the DSP protein. Computational prediction suggests that this variant may not impact protein structure and function (internally defined REVEL score threshold <= 0.5, PMID: 27666373). To our knowledge, functional studies have not been reported for this variant. This variant has not been reported in individuals affected with DSP-related disorders in the literature. This variant has not been identified in the general population by the Genome Aggregation Database (gnomAD). The available evidence is insufficient to determine the role of this variant in disease conclusively. Therefore, this variant is classified as a Variant of Uncertain Significance.

This study involves interpretation of variants in research participants for the purpose of population health screening. Participant phenotype was not available at the time of variant classification. Additional details can be found in publication PMID: 35346344, PMCID: PMC8962531

NM_004415.4(DSP):c.4807A>T (p.Arg1603Trp)

Gene: DSP (desmoplakin; plus strand). Cytogenetic location: 6p24.3.
Variant type: single nucleotide variant.
Coding change: c.4807A>T on transcript NM_004415.4 (MANE Select); coding-DNA position 4807, A replaced by T.
Protein change: p.Arg1603Trp; replaces arginine 1603 with tryptophan.
Molecular consequence: missense variant. On other transcripts: intron variant (2).
Genome position (GRCh38, 1-based): chr6:7,580,997, A>T. VCF-style: chr6-7580997-A-T. GRCh37 (hg19) VCF-style: chr6-7581230-A-T.
Other names: c.4050+757A>T (NM_001319034.2); c.3582+1225A>T (NM_001008844.3); short protein forms R1603W.
Identifiers: ClinVar variation 3386684 (VCV003386684.1).
Genomic context (GRCh38, chr6:7,580,997, plus strand): 5'-ACCGCGTCAGAAGACTCCTGCAAGAGGAAGAAGCTGGAGGAAGAGCTGGAAGGCATGAGG[A>T]GGTCGCTGAAGGAGCAAGCCATCAAAATCACCAACCTGACCCAGCAGCTGGAGCAGGCAT-3'
Protein context (NP_004406.2, residues 1593-1613): KLEEELEGMR[Arg1603Trp]SLKEQAIKIT